The following is an entry in ClinVar:

ClinVar aggregate classification (germline): Conflicting classifications of pathogenicity. Review status: criteria provided, conflicting classifications (1 of 4 stars). 2 submissions from 2 submitters: Uncertain significance (1); Likely benign (1). Last evaluated 2025-08-14.

Conditions:
Inborn genetic diseases. Identifiers: MedGen C0950123, MeSH D030342.

Allele frequency attached by ClinVar (database versions not stated): gnomAD 0.00002; TOPMed 0.00003; gnomAD exomes 0.00004; ExAC 0.00014; 1000 Genomes Project 0.00060; 1000 Genomes Project 30x 0.00078.
gnomAD v4.1: 59 of 1,614,016 alleles (0.0037%); highest among the groups gnomAD compares: East Asian, 0.042%; no homozygotes.

Submissions (2):

Ambry Genetics
Classification: Likely benign for Inborn genetic diseases. Last evaluated: 2025-08-14. Review status: criteria provided, single submitter. Criteria: Ambry Variant Classification Scheme 2023. Collection method: clinical testing. Allele origin: germline.

Labcorp Genetics (formerly Invitae), Labcorp
Classification: Uncertain significance. Last evaluated: 2024-06-03. Review status: criteria provided, single submitter. Criteria: Invitae Variant Classification Sherloc (09022015). Collection method: clinical testing. Allele origin: germline.
Comment: This sequence change replaces valine, which is neutral and non-polar, with methionine, which is neutral and non-polar, at codon 260 of the GSN protein (p.Val260Met). This variant is present in population databases (rs570834330, gnomAD 0.04%), and has an allele count higher than expected for a pathogenic variant. This variant has not been reported in the literature in individuals affected with GSN-related conditions. ClinVar contains an entry for this variant (Variation ID: 2183066). Advanced modeling of protein sequence and biophysical properties (such as structural, functional, and spatial information, amino acid conservation, physicochemical variation, residue mobility, and thermodynamic stability) performed at Invitae indicates that this missense variant is not expected to disrupt GSN protein function with a negative predictive value of 80%. In summary, the available evidence is currently insufficient to determine the role of this variant in disease. Therefore, it has been classified as a Variant of Uncertain Significance.

NM_198252.3(GSN):c.625G>A (p.Val209Met)

Gene: GSN (gelsolin; plus strand). Cytogenetic location: 9q33.2.
Variant type: single nucleotide variant.
Coding change: c.625G>A on transcript NM_198252.3 (MANE Select); coding-DNA position 625, G replaced by A.
Protein change: p.Val209Met; replaces valine 209 with methionine.
Molecular consequence: missense variant. On other transcripts: 5 prime UTR variant (1).
Genome position (GRCh38, 1-based): chr9:121,312,450, G>A. VCF-style: chr9-121312450-G-A. GRCh37 (hg19) VCF-style: chr9-124074728-G-A.
Other names: c.625G>A, p.Val209Met (NM_001353058.2, NM_001353059.2, NM_001353060.2 and 10 more transcripts); c.658G>A, p.Val220Met (NM_001353063.2, NM_001353064.2, NM_001353065.2 and 13 more transcripts); c.778G>A, p.Val260Met (NM_000177.5); c.733G>A, p.Val245Met (NM_001127663.2); c.676G>A, p.Val226Met (NM_001258029.2); c.649G>A, p.Val217Met (NM_001258030.2); c.697G>A, p.Val233Met (NM_001353076.2); c.-30G>A (NM_001353078.2); and 1 more; short protein forms V217M, V226M, V233M, V209M, V245M, V220M, V260M.
Identifiers: ClinVar variation 2183066 (VCV002183066.5), dbSNP rs570834330, ClinGen allele CA5220953.